The following is an entry in ClinVar:

NM_000350.3(ABCA4):c.5284del (p.Ala1762fs)

Gene: ABCA4 (ATP binding cassette subfamily A member 4; minus strand). Cytogenetic location: 1p22.1.
Variant type: Deletion.
Coding change: c.5284del on transcript NM_000350.3 (MANE Select); coding-DNA position 5284, one base deleted (G; older notation c.5284delG).
Protein change: p.Ala1762fs; shifts the reading frame from alanine 1762.
Molecular consequence: frameshift variant.
Genome position (GRCh38, 1-based): chr1:94,015,767, C deleted on the plus strand (G on the coding strand, the reverse complement: ABCA4 is on the minus strand). VCF-style (leftmost placement, unchanged base first): chr1-94015766-GC-G. GRCh37 (hg19) VCF-style: chr1-94481322-GC-G.
Other names: c.5062delG, p.Ala1688Profs (NM_001425324.1); short protein forms A1762fs.
Identifiers: ClinVar variation 2702030 (VCV002702030.3), dbSNP rs2523672360, ClinGen allele CA2697552507.

ClinVar aggregate classification (germline): Pathogenic (1 of 4 stars; one submission).

Submission:

Labcorp Genetics (formerly Invitae), Labcorp
Classification: Pathogenic. Last evaluated: 2023-12-10. Review status: criteria provided, single submitter. Criteria: Invitae Variant Classification Sherloc (09022015). Collection method: clinical testing. Allele origin: germline.
Comment: This sequence change creates a premature translational stop signal (p.Ala1762Profs*16) in the ABCA4 gene. It is expected to result in an absent or disrupted protein product. Loss-of-function variants in ABCA4 are known to be pathogenic (PMID: 10958761, 24938718, 25312043, 26780318). This variant is not present in population databases (gnomAD no frequency). This variant has not been reported in the literature in individuals affected with ABCA4-related conditions. For these reasons, this variant has been classified as Pathogenic.

Literature cited by the submitters: PubMed 10958761; PubMed 24938718; PubMed 25312043; PubMed 26780318.